The following is an entry in ClinVar:

ClinVar aggregate classification (germline): Uncertain significance (1 of 4 stars; one submission).

Submission:

Labcorp Genetics (formerly Invitae), Labcorp
Classification: Uncertain significance. Last evaluated: 2022-07-23. Review status: criteria provided, single submitter. Criteria: Invitae Variant Classification Sherloc (09022015). Collection method: clinical testing. Allele origin: germline.
Comment: This sequence change replaces glutamine, which is neutral and polar, with arginine, which is basic and polar, at codon 475 of the CETP protein (p.Gln475Arg). This variant is not present in population databases (gnomAD no frequency). In summary, the available evidence is currently insufficient to determine the role of this variant in disease. Therefore, it has been classified as a Variant of Uncertain Significance. Algorithms developed to predict the effect of missense changes on protein structure and function are either unavailable or do not agree on the potential impact of this missense change (SIFT: "Deleterious"; PolyPhen-2: "Probably Damaging"; Align-GVGD: "Class C0"). This variant has not been reported in the literature in individuals affected with CETP-related conditions.

NM_000078.3(CETP):c.1424A>G (p.Gln475Arg)

Gene: CETP (cholesteryl ester transfer protein; plus strand). Cytogenetic location: 16q13.
Variant type: single nucleotide variant.
Coding change: c.1424A>G on transcript NM_000078.3 (MANE Select); coding-DNA position 1424, A replaced by G.
Protein change: p.Gln475Arg; replaces glutamine 475 with arginine.
Molecular consequence: missense variant.
Genome position (GRCh38, 1-based): chr16:56,983,608, A>G. VCF-style: chr16-56983608-A-G. GRCh37 (hg19) VCF-style: chr16-57017520-A-G.
Other names: c.1244A>G, p.Gln415Arg (NM_001286085.2); short protein forms Q415R, Q475R.
Identifiers: ClinVar variation 1713447 (VCV001713447.5), dbSNP rs2543664950, ClinGen allele CA396008407.